The following is an entry in ClinVar:

ClinVar aggregate classification (germline): Uncertain significance (1 of 4 stars; one submission).

Allele frequency attached by ClinVar (database versions not stated): gnomAD exomes below 0.00001; TOPMed below 0.00001; gnomAD 0.00001.
gnomAD v4.1: 4 of 1,614,084 alleles (0.00025%); highest among the groups gnomAD compares: African/African-American, 0.0013%; no homozygotes.

Submission:

Labcorp Genetics (formerly Invitae), Labcorp
Classification: Uncertain significance. Last evaluated: 2021-05-26. Review status: criteria provided, single submitter. Criteria: Invitae Variant Classification Sherloc (09022015). Collection method: clinical testing. Allele origin: germline.
Comment: In summary, the available evidence is currently insufficient to determine the role of this variant in disease. Therefore, it has been classified as a Variant of Uncertain Significance. Algorithms developed to predict the effect of missense changes on protein structure and function (SIFT, PolyPhen-2, Align-GVGD) all suggest that this variant is likely to be tolerated, but these predictions have not been confirmed by published functional studies and their clinical significance is uncertain. This variant has not been reported in the literature in individuals with HPS5-related conditions. This variant is not present in population databases (ExAC no frequency). This sequence change replaces arginine with glycine at codon 573 of the HPS5 protein (p.Arg573Gly). The arginine residue is moderately conserved and there is a moderate physicochemical difference between arginine and glycine.

NM_181507.2(HPS5):c.1717A>G (p.Arg573Gly)

Gene: HPS5 (HPS5 biogenesis of lysosomal organelles complex 2 subunit 2; minus strand). Cytogenetic location: 11p15.1.
Variant type: single nucleotide variant.
Coding change: c.1717A>G on transcript NM_181507.2 (MANE Select); coding-DNA position 1717, A replaced by G.
Protein change: p.Arg573Gly; replaces arginine 573 with glycine.
Molecular consequence: missense variant.
Genome position (GRCh38, 1-based): chr11:18,295,087, T>C on the plus strand (A>G on the coding strand, the complement: HPS5 is on the minus strand). VCF-style: chr11-18295087-T-C. GRCh37 (hg19) VCF-style: chr11-18316634-T-C.
Other names: c.1375A>G, p.Arg459Gly (NM_007216.4, NM_181508.2); short protein forms R573G, R459G.
Identifiers: ClinVar variation 1354056 (VCV001354056.8), dbSNP rs1331807566, ClinGen allele CA379493273.